The following is an entry in ClinVar:

ClinVar aggregate classification (germline): Conflicting classifications of pathogenicity. Review status: criteria provided, conflicting classifications (1 of 4 stars). 4 submissions from 4 submitters: Uncertain significance (1); Benign (2); Likely benign (1). Last evaluated 2026-01-19.

Conditions:
Neuronal ceroid lipofuscinosis. Also called: Neuronal Ceroid Lipofuscinoses. Identifiers: Orphanet 216, Orphanet 79263, MedGen C0027877, MONDO:0016295. Disease mechanism: loss of function.

Allele frequency attached by ClinVar (database versions not stated): ESP Exome Variant Server 0.00015; TOPMed 0.00029; gnomAD exomes 0.00030 and 0.00034; ExAC 0.00031; gnomAD 0.00046 and 0.00049.
gnomAD v4.1: 524 of 1,613,696 alleles (0.032%); highest among the groups gnomAD compares: Non-Finnish European, 0.034%; no homozygotes.

Submissions (4):

Labcorp Genetics (formerly Invitae), Labcorp
Classification: Likely benign for Neuronal ceroid lipofuscinosis. Last evaluated: 2026-01-19. Review status: criteria provided, single submitter. Criteria: Invitae Variant Classification Sherloc (09022015). Collection method: clinical testing. Allele origin: germline.

Blueprint Genetics
Classification: Benign. Last evaluated: 2024-11-21. Review status: criteria provided, single submitter. Criteria: ACMG Guidelines, 2015. Collection method: clinical testing. Allele origin: germline.

Illumina Laboratory Services, Illumina
Classification: Uncertain significance for Neuronal ceroid lipofuscinosis. Last evaluated: 2018-01-12. Review status: criteria provided, single submitter. Criteria: ICSL Variant Classification Criteria 13 December 2019. Collection method: clinical testing. Allele origin: germline.

GeneDx
Classification: Benign. Last evaluated: 2014-02-28. Review status: criteria provided, single submitter. Criteria: GeneDx Variant Classification (06012015). Collection method: clinical testing. Allele origin: germline. Affected: yes.
Comment: This variant is considered likely benign or benign based on one or more of the following criteria: it is a conservative change, it occurs at a poorly conserved position in the protein, it is predicted to be benign by multiple in silico algorithms, and/or has population frequency not consistent with disease.

NM_017882.3(CLN6):c.487-15C>T

Gene: CLN6 (CLN6 transmembrane ER protein; minus strand). Cytogenetic location: 15q23.
Variant type: single nucleotide variant.
Coding change: c.487-15C>T on transcript NM_017882.3 (MANE Select); 15 bases into the intron before coding-DNA position 487, C replaced by T.
Molecular consequence: intron variant.
Genome position (GRCh38, 1-based): chr15:68,211,333, G>A on the plus strand (C>T on the coding strand, the complement: CLN6 is on the minus strand). VCF-style: chr15-68211333-G-A. GRCh37 (hg19) VCF-style: chr15-68503671-G-A.
Identifiers: ClinVar variation 136798 (VCV000136798.13), dbSNP rs200775021, ClinGen allele CA290145.
Genomic context (GRCh38, chr15:68,211,333, plus strand): 5'-GACCCAGGTACTCATCATAATAGTAGAGCAGCTCAAAGGAGTCGATCTGAGGGAGGAACG[G>A]GCAGGGCAGAGTCGGGGGATGTCGATGTCAGTCCAGGGAGGTGCTGGGGCCCCAAGCATC-3'